The following is an entry in ClinVar:

ClinVar aggregate classification (germline): Pathogenic/Likely pathogenic. Review status: criteria provided, multiple submitters, no conflicts (2 of 4 stars). 7 submissions from 7 submitters: Pathogenic (4); Likely pathogenic (2). 1 of the submissions does not count toward it. Last evaluated 2025-12-31.

Conditions:
PKHD1-related disorder. Also called: PKHD1-related condition.
Polycystic kidney disease 4 (PKD4). Also called: Autosomal Recessive Polycystic Kidney Disease – PKHD1; POLYCYSTIC KIDNEY DISEASE 4 WITH OR WITHOUT POLYCYSTIC LIVER DISEASE; PKD3; POLYCYSTIC KIDNEY AND HEPATIC DISEASE 1; POLYCYSTIC KIDNEY DISEASE, INFANTILE, TYPE I. Identifiers: MedGen C4540575, MONDO:0033004, OMIM 263200.
Autosomal recessive polycystic kidney disease (ARPKD). Also called: AR polycystic kidney disease. Identifiers: Orphanet 731, Orphanet 8378, MedGen C0085548, MeSH D017044, MONDO:0009889.

Allele frequency attached by ClinVar (database versions not stated): ExAC 0.00001; gnomAD exomes 0.00001; gnomAD 0.00003; TOPMed 0.00003; ESP Exome Variant Server 0.00015.
gnomAD v4.1: 32 of 1,613,162 alleles (0.002%); highest among the groups gnomAD compares: Non-Finnish European, 0.0025%; no homozygotes.

Submissions (7):

Natera, Inc.
Classification: Likely pathogenic for Autosomal recessive polycystic kidney disease. Last evaluated: 2025-12-31. Review status: criteria provided, single submitter. Criteria: Natera Variant Classification Schema (03/2026). Collection method: clinical testing. Allele origin: germline.
Comment: The c.3367G>A variant in PKHD1 is a missense variant predicted to cause substitution of glycine to serine at amino acid 1123. This variant is rare in the general population with a frequency below the threshold expected for the associated phenotype(s). This variant has been observed in one or more individuals affected with the associated recessive disease, as either homozygous or compound heterozygous with a second variant (PMID: 15805161, 25966130, 15698423, 12506140). This variant has been identified in one or more affected individual with a phenotype highly consistent with the associated gene (PMID: 12874454). Computational prediction algorithms indicate this variant is likely to affect gene or protein function. Given the available evidence, this variant is classified as Likely Pathogenic.

GeneDx
Classification: Pathogenic. Last evaluated: 2025-04-30. Review status: criteria provided, single submitter. Criteria: GeneDx Variant Classification Process June 2021. Collection method: clinical testing. Allele origin: germline. Affected: yes.
Comment: In silico analysis supports that this missense variant has a deleterious effect on protein structure/function; In silico analysis suggests this variant may impact gene splicing; in the absence of RNA/functional studies the actual effect of this sequence change is unknown; Not observed at significant frequency in large population cohorts (gnomAD); This variant is associated with the following publications: (PMID: 24984783, 31589614, 12874454, 15805161, 12506140, 25966130, 15698423, 38439105, 38596265, 39467534)

PreventionGenetics, part of Exact Sciences
Classification: Pathogenic for PKHD1-related condition. Last evaluated: 2025-01-16. Review status: criteria provided, single submitter. Criteria: ACMG Guidelines, 2015. Collection method: clinical testing. Allele origin: germline.
Comment: The PKHD1 c.3367G>A variant is predicted to result in the amino acid substitution p.Gly1123Ser. This variant has been reported in the homozygous condition or along with a second variant in this gene in several individuals with autosomal recessive polycystic kidney disease (ARPKD) (Nabhan et al. 2015. PubMed ID: 25966130; Bergmann et al. 2005. PubMed ID: 15698423; Sharp et al. 2005. PubMed ID: 15805161; Table S1, Harafuji et al. 2023. PubMed ID: 38125876; Internal Data, PreventionGenetics) and was shown to segregate with ARPKD in one of the families (Bergmann et al. 2005. PubMed ID: 15698423). This variant is reported in 0.0018% of alleles in individuals of European (non-Finnish) descent in gnomAD. This variant is interpreted as pathogenic.

Department of Pathology and Laboratory Medicine, Sinai Health System
Classification: Likely pathogenic for Polycystic kidney disease 4. Last evaluated: 2024-07-04. Review status: criteria provided, single submitter. Criteria: ACMG Guidelines, 2015. Collection method: clinical testing. Allele origin: germline. Affected: yes.

Fulgent Genetics
Classification: Pathogenic for Polycystic kidney disease 4. Last evaluated: 2024-01-23. Review status: criteria provided, single submitter. Criteria: ACMG Guidelines, 2015. Collection method: clinical testing. Allele origin: germline.

Labcorp Genetics (formerly Invitae), Labcorp
Classification: Pathogenic for Autosomal recessive polycystic kidney disease. Last evaluated: 2023-10-07. Review status: criteria provided, single submitter. Criteria: Invitae Variant Classification Sherloc (09022015). Collection method: clinical testing. Allele origin: germline.
Comment: This sequence change replaces glycine, which is neutral and non-polar, with serine, which is neutral and polar, at codon 1123 of the PKHD1 protein (p.Gly1123Ser). This variant is present in population databases (rs142107837, gnomAD 0.002%). This missense change has been observed in individual(s) with autosomal recessive polycystic kidney disease (PMID: 12506140, 12874454, 15698423, 15805161, 25966130; Invitae). In at least one individual the data is consistent with being in trans (on the opposite chromosome) from a pathogenic variant. ClinVar contains an entry for this variant (Variation ID: 188959). An algorithm developed to predict the effect of missense changes on protein structure and function (PolyPhen-2) suggests that this variant is likely to be disruptive. Algorithms developed to predict the effect of sequence changes on RNA splicing suggest that this variant may create or strengthen a splice site. For these reasons, this variant has been classified as Pathogenic.

Counsyl
Classification: Likely pathogenic for Polycystic kidney disease, infantile type. Last evaluated: 2014-09-08. Review status: no assertion criteria provided. Collection method: literature only. Allele origin: unknown. Inheritance: Autosomal recessive inheritance. Not counted in ClinVar's aggregate classification.

Literature cited by the submitters: PubMed 15805161 (cited by 4 submitters); PubMed 25966130 (cited by Natera, Inc. and Labcorp Genetics (formerly Invitae), Labcorp); PubMed 15698423 (cited by 4 submitters); PubMed 12506140 (cited by 4 submitters); PubMed 12874454 (cited by 4 submitters); PubMed 24984783 (cited by Counsyl); PubMed 14741187 (cited by Counsyl); PubMed 15706593 (cited by Counsyl).

NM_138694.4(PKHD1):c.3367G>A (p.Gly1123Ser)

Gene: PKHD1 (PKHD1 ciliary IPT domain containing fibrocystin/polyductin; minus strand). Cytogenetic location: 6p12.2.
Variant type: single nucleotide variant.
Coding change: c.3367G>A on transcript NM_138694.4 (MANE Select); coding-DNA position 3367, G replaced by A.
Protein change: p.Gly1123Ser; replaces glycine 1123 with serine.
Molecular consequence: missense variant.
Genome position (GRCh38, 1-based): chr6:52,028,349, C>T on the plus strand (G>A on the coding strand, the complement: PKHD1 is on the minus strand). VCF-style: chr6-52028349-C-T. GRCh37 (hg19) VCF-style: chr6-51893147-C-T.
Other names: c.3367G>A, p.Gly1123Ser (NM_170724.3); short protein forms G1123S.
Identifiers: ClinVar variation 188959 (VCV000188959.27), dbSNP rs142107837, ClinGen allele CA274186.